The following is an entry in ClinVar:

ClinVar aggregate classification (germline): Uncertain significance. Review status: criteria provided, multiple submitters, no conflicts (2 of 4 stars). 2 submissions from 2 submitters: Uncertain significance (2). Last evaluated 2025-11-11.

Conditions:
Inborn genetic diseases. Identifiers: MedGen C0950123, MeSH D030342.

gnomAD v4.1: 4 of 1,613,828 alleles (0.00025%); highest among the groups gnomAD compares: African/African-American, 0.0013%; no homozygotes.

Submissions (2):

Ambry Genetics
Classification: Uncertain significance for Inborn genetic diseases. Last evaluated: 2025-11-11. Review status: criteria provided, single submitter. Criteria: Ambry Variant Classification Scheme 2023. Collection method: clinical testing. Allele origin: germline.

Dasa
Classification: Uncertain significance. Last evaluated: 2025-11-04. Review status: criteria provided, single submitter. Criteria: DASA Assertion Criteria. Collection method: clinical testing. Allele origin: germline.
Comment: NM_018896.5(CACNA1G):c.2807C>T (p.Thr936Met) is a missense variant that results in the substitution of threonine with methionine. This variant is rare in population databases. Computational prediction algorithms are consistent with a deleterious effect. The currently available literature and clinical evidence are not sufficient to establish a definitive association between this variant and the reported condition. Therefore, this variant is classified as a variant of uncertain significance.

NM_018896.5(CACNA1G):c.2807C>T (p.Thr936Met)

Gene: CACNA1G (calcium voltage-gated channel subunit alpha1 G; plus strand). Cytogenetic location: 17q21.33.
Variant type: single nucleotide variant.
Coding change: c.2807C>T on transcript NM_018896.5 (MANE Select); coding-DNA position 2807, C replaced by T.
Protein change: p.Thr936Met; replaces threonine 936 with methionine.
Molecular consequence: missense variant. On other transcripts: non-coding transcript variant (5).
Genome position (GRCh38, 1-based): chr17:50,591,989, C>T. VCF-style: chr17-50591989-C-T. GRCh37 (hg19) VCF-style: chr17-48669350-C-T.
Other names: c.2807C>T, p.Thr936Met (NM_001256324.2, NM_001256325.2, NM_001256326.2 and 24 more transcripts); short protein forms T936M.
Identifiers: ClinVar variation 4603254 (VCV004603254.3).